The following is an entry in ClinVar:

NM_001286.5(CLCN6):c.1122A>G (p.Arg374=)

Gene: CLCN6 (chloride voltage-gated channel 6; plus strand). Cytogenetic location: 1p36.22.
Variant type: single nucleotide variant.
Coding change: c.1122A>G on transcript NM_001286.5 (MANE Select); coding-DNA position 1122, A replaced by G.
Protein change: p.Arg374=; no amino-acid change (arginine 374 retained).
Molecular consequence: synonymous variant. On other transcripts: non-coding transcript variant (1).
Genome position (GRCh38, 1-based): chr1:11,829,196, A>G. VCF-style: chr1-11829196-A-G. GRCh37 (hg19) VCF-style: chr1-11889253-A-G.
Other names: c.1056A>G, p.Arg352= (NM_001256959.2).
Identifiers: ClinVar variation 2833959 (VCV002833959.3), dbSNP rs1270384664, ClinGen allele CA416103469.

ClinVar aggregate classification (germline): Uncertain significance (1 of 4 stars; one submission).

Allele frequency attached by ClinVar (database versions not stated): gnomAD exomes below 0.00001.
gnomAD v4.1: 1 of 1,613,452 alleles (0.000062%); highest among the groups gnomAD compares: Non-Finnish European, 0.000085%; no homozygotes.

Submission:

Labcorp Genetics (formerly Invitae), Labcorp
Classification: Uncertain significance. Last evaluated: 2023-02-02. Review status: criteria provided, single submitter. Criteria: Invitae Variant Classification Sherloc (09022015). Collection method: clinical testing. Allele origin: germline.
Comment: This sequence change affects codon 374 of the CLCN6 mRNA. It is a 'silent' change, meaning that it does not change the encoded amino acid sequence of the CLCN6 protein. It affects a nucleotide within the consensus splice site. This variant is present in population databases (no rsID available, gnomAD 0.0009%). This variant has not been reported in the literature in individuals affected with CLCN6-related conditions. Algorithms developed to predict the effect of sequence changes on RNA splicing suggest that this variant may disrupt the consensus splice site. In summary, the available evidence is currently insufficient to determine the role of this variant in disease. Therefore, it has been classified as a Variant of Uncertain Significance.